The following is an entry in ClinVar:

NM_015836.4(WARS2):c.482C>A (p.Pro161Gln)

Gene: WARS2 (tryptophanyl tRNA synthetase 2, mitochondrial; minus strand). Cytogenetic location: 1p12.
Variant type: single nucleotide variant.
Coding change: c.482C>A on transcript NM_015836.4 (MANE Select); coding-DNA position 482, C replaced by A.
Protein change: p.Pro161Gln; replaces proline 161 with glutamine.
Molecular consequence: missense variant. On other transcripts: intron variant (1).
Genome position (GRCh38, 1-based): chr1:119,042,297, G>T on the plus strand (C>A on the coding strand, the complement: WARS2 is on the minus strand). VCF-style: chr1-119042297-G-T. GRCh37 (hg19) VCF-style: chr1-119584920-G-T.
Other names: c.413C>A, p.Pro138Gln (NM_001378226.1, NM_001378227.1); c.311C>A, p.Pro104Gln (NM_001378228.1); c.224C>A, p.Pro75Gln (NM_001378229.1); c.200C>A, p.Pro67Gln (NM_001378230.1); c.482C>A, p.Pro161Gln (NM_201263.2); c.429+3285C>A (NM_001378231.1); short protein forms P104Q, P138Q, P161Q, P67Q, P75Q.
Identifiers: ClinVar variation 4854180 (VCV004854180.1).
Genomic context (GRCh38, chr1:119,042,297, plus strand): 5'-TAAGACTGGGCTGAACTCTCTTCTTACTTGTACAACAGAATGTCGGCTGCCTGGAGTACT[G>T]GGTATGTGAGCAGGCCCACCGTGCCATCGTGCTTCTGCTTGGTAGTCTTTGCCTGTGAGA-3'
Protein context (NP_056651.1, residues 151-171): HDGTVGLLTY[Pro161Gln]VLQAADILLY

ClinVar aggregate classification (germline): Uncertain significance (1 of 4 stars; one submission).

Conditions:
Neurodevelopmental disorder, mitochondrial, with abnormal movements and lactic acidosis, with or without seizures. Identifiers: Orphanet 572798, MedGen C4540192, MONDO:0060578, OMIM 617710.

Submission:

3billion
Classification: Uncertain significance for Neurodevelopmental disorder, mitochondrial, with abnormal movements and lactic acidosis, with or without seizures. Last evaluated: 2025-05-25. Review status: criteria provided, single submitter. Criteria: ACMG Guidelines, 2015. Collection method: clinical testing. Allele origin: germline. Affected: yes.
Comment: The variant is not observed in the gnomAD v4.1.0 dataset. Predicted Consequence/Location: Missense variant In silico tool predictions suggest damaging effect of the variant on gene or gene product [REVEL: 0.81 (>=0.6, sensitivity 0.68 and specificity 0.92); 3Cnet: 0.78 (> 0.75, sensitivity 0.96 and precision 0.92)]. Therefore, this variant is classified as VUS according to the recommendation of ACMG/AMP guideline.